The following is an entry in ClinVar:

NM_015355.4(SUZ12):c.1209_1212del (p.Lys403fs)

Gene: SUZ12 (SUZ12 polycomb repressive complex 2 subunit; plus strand). Cytogenetic location: 17q11.2.
Variant type: Deletion.
Coding change: c.1209_1212del on transcript NM_015355.4 (MANE Select); coding-DNA positions 1209 to 1212, 4 bases deleted (AGAA; older notation c.1209_1212delAGAA).
Protein change: p.Lys403fs; shifts the reading frame from lysine 403.
Molecular consequence: frameshift variant.
Genome position (GRCh38, 1-based): chr17:31,993,249-31,993,252, AGAA deleted; deleting any 4 consecutive bases within chr17:31,993,247-31,993,252 gives the same sequence; the c. name uses the placement nearest the transcript's 3' end. VCF-style (leftmost placement, unchanged base first): chr17-31993246-TAAAG-T. GRCh37 (hg19) VCF-style: chr17-30320265-TAAAG-T.
Other names: c.1140_1143del, p.Lys380fs (NM_001321207.2); short protein forms K380fs, K403fs.
Identifiers: ClinVar variation 5005739 (VCV005005739.2).
Genomic context (GRCh38, chr17:31,993,246, plus strand): 5'-TTATTTTGCTTTTCAAAAGCAATGTTTTTATTGAATATAAAAGTGTATGTTTTCAGCTGT[TAAAG>T]AATCATTGACTACAGATCTACAAACAAGAAAAGAAAAGGATACTCCAAATGAAAACCGAC-3'

ClinVar aggregate classification (germline): Uncertain significance (1 of 4 stars; one submission).

Conditions:
Imagawa-Matsumoto syndrome. Identifiers: Orphanet 659463, MedGen C5394073, MONDO:0032916, OMIM 618786.

Submission:

Juno Genomics, Hangzhou Juno Genomics, Inc
Classification: Uncertain significance for Imagawa-Matsumoto syndrome. Review status: criteria provided, single submitter. Criteria: ACMG Guidelines, 2015. Collection method: clinical testing. Allele origin: germline.
Comment: Null variant in a gene where loss of function (LOF) is a known mechanism of disease.;Absent from controls (or at extremely low frequency if recessive) in Genome Aggregation Database.